The following is an entry in ClinVar:

ClinVar aggregate classification (germline): Uncertain significance (1 of 4 stars; one submission).

Submission:

GeneDx
Classification: Uncertain significance. Last evaluated: 2023-10-27. Review status: criteria provided, single submitter. Criteria: GeneDx Variant Classification Process June 2021. Collection method: clinical testing. Allele origin: germline. Affected: yes.
Comment: Not observed at significant frequency in large population cohorts (gnomAD); In silico analysis supports that this missense variant has a deleterious effect on protein structure/function; Has not been previously published as pathogenic or benign to our knowledge

NM_014915.3(ANKRD26):c.410C>T (p.Ala137Val)

Gene: ANKRD26 (ankyrin repeat domain containing 26; minus strand). Cytogenetic location: 10p12.1.
Variant type: single nucleotide variant.
Coding change: c.410C>T on transcript NM_014915.3 (MANE Select); coding-DNA position 410, C replaced by T.
Protein change: p.Ala137Val; replaces alanine 137 with valine.
Molecular consequence: missense variant.
Genome position (GRCh38, 1-based): chr10:27,093,470, G>A on the plus strand (C>T on the coding strand, the complement: ANKRD26 is on the minus strand). VCF-style: chr10-27093470-G-A. GRCh37 (hg19) VCF-style: chr10-27382399-G-A.
Other names: c.410C>T, p.Ala137Val (NM_001256053.2); short protein forms A137V.
Identifiers: ClinVar variation 3363627 (VCV003363627.1).